The following is an entry in ClinVar:

NM_000368.5(TSC1):c.1142-7C>T

Gene: TSC1 (TSC complex subunit 1; minus strand). Cytogenetic location: 9q34.13.
Variant type: single nucleotide variant.
Coding change: c.1142-7C>T on transcript NM_000368.5 (MANE Select); 7 bases into the intron before coding-DNA position 1142, C replaced by T.
Molecular consequence: intron variant.
Genome position (GRCh38, 1-based): chr9:132,910,699, G>A on the plus strand (C>T on the coding strand, the complement: TSC1 is on the minus strand). VCF-style: chr9-132910699-G-A. GRCh37 (hg19) VCF-style: chr9-135786086-G-A.
Other names: c.1142-10C>T (NM_001406599.1, NM_001406603.1, NM_001406609.1 and 6 more transcripts); c.1142-7C>T (NM_001406594.1, NM_001406602.1, NM_001406606.1 and 7 more transcripts); c.779-10C>T (NM_001406620.1, NM_001406625.1, NM_001406621.1 and 2 more transcripts); c.779-7C>T (NM_001406618.1, NM_001406617.1, NM_001406619.1 and 5 more transcripts); c.989-10C>T (NM_001406613.1, NM_001406612.1, NM_001406611.1); c.989-7C>T (NM_001406610.1, NM_001162427.2); c.191-10C>T (NM_001406627.1, NM_001406628.1); c.92-10C>T (NM_001406629.1, NM_001406630.1); and 1 more.
Identifiers: ClinVar variation 4071193 (VCV004071193.1).
Genomic context (GRCh38, chr9:132,910,699, plus strand): 5'-GGGCTGGAGGAGGAGAGGTTGCTGGGGTTCCCAGAGGAGTTCCTTTTCCACCTGCTTAGA[G>A]ACAAGGGCAGAACATATATGAACACTGAGCCCAACTATTAGAAAAACTGCCGATTTTTTT-3'

ClinVar aggregate classification (germline): Likely benign (1 of 4 stars; one submission).

Conditions:
Tuberous sclerosis 1 (TSC1). Identifiers: Orphanet 805, MedGen C1854465, MONDO:0008612, OMIM 191100.

Submission:

Myriad Genetics, Inc.
Classification: Likely benign for Tuberous sclerosis 1. Last evaluated: 2025-04-09. Review status: criteria provided, single submitter. Criteria: Myriad Autosomal Dominant, Autosomal Recessive and X-Linked Classification Criteria (2023). Collection method: clinical testing. Allele origin: unknown.
Comment: This variant is considered likely benign. This variant is intronic and is not expected to impact mRNA splicing.